The following is an entry in ClinVar:

NM_002335.4(LRP5):c.3562C>T (p.Arg1188Trp)

Gene: LRP5 (LDL receptor related protein 5; plus strand). Cytogenetic location: 11q13.2.
Variant type: single nucleotide variant.
Coding change: c.3562C>T on transcript NM_002335.4 (MANE Select); coding-DNA position 3562, C replaced by T.
Protein change: p.Arg1188Trp; replaces arginine 1188 with tryptophan.
Molecular consequence: missense variant.
Genome position (GRCh38, 1-based): chr11:68,426,112, C>T. VCF-style: chr11-68426112-C-T. GRCh37 (hg19) VCF-style: chr11-68193580-C-T.
Other names: c.1819C>T, p.Arg607Trp (NM_001291902.2); short protein forms R1188W, R607W.
Identifiers: ClinVar variation 162391 (VCV000162391.12), dbSNP rs141178995, ClinGen allele CA210907.
Genomic context (GRCh38, chr11:68,426,112, plus strand): 5'-TACTGGATCGACCGCCAGCAGCAGATGATCGAGCGTGTGGAGAAGACCACCGGGGACAAG[C>T]GGACTCGCATCCAGGGCCGTGTCGCCCACCTCACTGGCATCCATGCAGTGGAGGAAGTCA-3'
Protein context (NP_002326.2, residues 1178-1198): ERVEKTTGDK[Arg1188Trp]TRIQGRVAHL

ClinVar aggregate classification (germline): Conflicting classifications of pathogenicity. Review status: criteria provided, conflicting classifications (1 of 4 stars). 7 submissions from 7 submitters: Likely pathogenic (4); Uncertain significance (1). 2 of the submissions do not count toward it. Last evaluated 2025-04-08.

Conditions:
Bone mineral density quantitative trait locus 1 (BMND1). Identifiers: MedGen C1866079, OMIM 601884.
Polycystic liver disease 4 with or without kidney cysts. Identifiers: MedGen C4693479, MONDO:0044327, OMIM 617875.
Osteoporosis with pseudoglioma (OPPG). Also called: osteoporosis-pseudoglioma syndrome. Identifiers: Orphanet 2788, MedGen C0432252, MONDO:0009820, OMIM 259770.
Worth disease. Also called: ENDOSTEAL HYPEROSTOSIS, AUTOSOMAL DOMINANT; OSTEOSCLEROSIS, AUTOSOMAL DOMINANT; Autosomal dominant osteosclerosis, Worth type. Identifiers: Orphanet 2790, MedGen C0432273, MONDO:0007764, OMIM 144750.
Autosomal dominant osteopetrosis 1 (OPTA1). Also called: OSTEOPETROSIS, AUTOSOMAL DOMINANT, TYPE I. Identifiers: Orphanet 2783, MedGen C1843330, MONDO:0011877, OMIM 607634.
Exudative vitreoretinopathy 4 (EVR4). Identifiers: Orphanet 891, MedGen C1866176, MONDO:0011151, OMIM 601813.
Polycystic liver disease 1 (PCLD1). Also called: Polycystic liver disease 1 with or without kidney cysts. Identifiers: Orphanet 2924, MedGen C0887850, MONDO:0008265, OMIM 174050.

Allele frequency attached by ClinVar (database versions not stated): gnomAD exomes 0.00001; TOPMed 0.00004.
gnomAD v4.1: 24 of 1,613,186 alleles (0.0015%); highest among the groups gnomAD compares: East Asian, 0.0067%; no homozygotes.

Submissions (7):

Labcorp Genetics (formerly Invitae), Labcorp
Classification: Likely pathogenic. Last evaluated: 2025-04-08. Review status: criteria provided, single submitter. Criteria: Invitae Variant Classification Sherloc (09022015). Collection method: clinical testing. Allele origin: germline.
Comment: This sequence change replaces arginine, which is basic and polar, with tryptophan, which is neutral and slightly polar, at codon 1188 of the LRP5 protein (p.Arg1188Trp). This variant is present in population databases (rs141178995, gnomAD 0.005%). This missense change has been observed in individual(s) with autosomal dominant polycystic liver disease (PMID: 24706814, 37296477). It has also been observed to segregate with disease in related individuals. ClinVar contains an entry for this variant (Variation ID: 162391). Invitae Evidence Modeling of protein sequence and biophysical properties (such as structural, functional, and spatial information, amino acid conservation, physicochemical variation, residue mobility, and thermodynamic stability) has been performed for this missense variant. However, the output from this modeling did not meet the statistical confidence thresholds required to predict the impact of this variant on LRP5 protein function. Experimental studies have shown that this missense change affects LRP5 function (PMID: 24706814). In summary, the currently available evidence indicates that the variant is pathogenic, but additional data are needed to prove that conclusively. Therefore, this variant has been classified as Likely Pathogenic.

Fulgent Genetics
Classification: Likely pathogenic for Worth disease; Osteoporosis with pseudoglioma; Exudative vitreoretinopathy 4; Bone mineral density quantitative trait locus 1; Autosomal dominant osteopetrosis 1; Polycystic liver disease 4 with or without kidney cysts. Last evaluated: 2024-05-30. Review status: criteria provided, single submitter. Criteria: ACMG Guidelines, 2015. Collection method: clinical testing. Allele origin: germline.

Revvity Omics, Revvity
Classification: Likely pathogenic. Last evaluated: 2024-02-08. Review status: criteria provided, single submitter. Criteria: ACMG Guidelines, 2015. Collection method: clinical testing. Allele origin: germline.

Blueprint Genetics
Classification: Uncertain significance. Last evaluated: 2024-01-04. Review status: criteria provided, single submitter. Criteria: ACMG Guidelines, 2015. Collection method: clinical testing. Allele origin: germline.

Juno Genomics, Hangzhou Juno Genomics, Inc
Classification: Likely pathogenic for Polycystic liver disease 4 with or without kidney cysts. Review status: criteria provided, single submitter. Criteria: ACMG Guidelines, 2015. Collection method: clinical testing. Allele origin: germline.
Comment: Absent from controls (or at extremely low frequency if recessive) in Genome Aggregation Database.;Well-established in vitro or in vivo functional studies supportive of a damaging effect on the gene or gene product.;Co-segregation with disease in multiple affected family members.

OMIM
Classification: Pathogenic for POLYCYSTIC LIVER DISEASE 4 WITH OR WITHOUT KIDNEY CYSTS. Last evaluated: 2014-04-08. Review status: no assertion criteria provided. Collection method: literature only. Allele origin: germline. Not counted in ClinVar's aggregate classification.

Laboratory of Gastroenterology and Hepatology, Radboud University Medical Center
No classification provided. Condition: Congenital cystic disease of liver. Review status: no classification provided. Collection method: not provided. Allele origin: germline. Not counted in ClinVar's aggregate classification.

Literature cited by the submitters: PubMed 24706814 (cited by Labcorp Genetics (formerly Invitae), Labcorp and OMIM); PubMed 37296477 (cited by Labcorp Genetics (formerly Invitae), Labcorp).